The following is an entry in ClinVar:

NM_017866.6(TMEM70):c.557C>T (p.Ala186Val)

Gene: TMEM70 (transmembrane protein 70; plus strand). Cytogenetic location: 8q21.11.
Variant type: single nucleotide variant.
Coding change: c.557C>T on transcript NM_017866.6 (MANE Select); coding-DNA position 557, C replaced by T.
Protein change: p.Ala186Val; replaces alanine 186 with valine.
Molecular consequence: missense variant. On other transcripts: 3 prime UTR variant (1), non-coding transcript variant (1).
Genome position (GRCh38, 1-based): chr8:73,981,395, C>T. VCF-style: chr8-73981395-C-T. GRCh37 (hg19) VCF-style: chr8-74893630-C-T.
Other names: c.*247C>T (NM_001040613.3); short protein forms A186V.
Identifiers: ClinVar variation 945308 (VCV000945308.5), dbSNP rs200311538, ClinGen allele CA4784071.

ClinVar aggregate classification (germline): Uncertain significance (1 of 4 stars; one submission).

Conditions:
Mitochondrial complex V (ATP synthase) deficiency, nuclear type 2. Also called: Nuclear-Encoded ATPase Deficiency, TMEM70-Related; ENCEPHALOCARDIOMYOPATHY, MITOCHONDRIAL, NEONATAL, DUE TO ATP SYNTHASE DEFICIENCY; MITOCHONDRIAL COMPLEX V (ATP SYNTHASE) DEFICIENCY, TMEM70 TYPE. Identifiers: Orphanet 1194, MedGen C3279699, MONDO:0013546, OMIM 614052.

Allele frequency attached by ClinVar (database versions not stated): gnomAD exomes 0.00001 and 0.00002; ExAC 0.00002; gnomAD 0.00002 and 0.00003; TOPMed 0.00002; ESP Exome Variant Server 0.00008; 1000 Genomes Project 30x 0.00016; 1000 Genomes Project 0.00020.
gnomAD v4.1: 33 of 1,614,176 alleles (0.002%); highest among the groups gnomAD compares: African/African-American, 0.004%; no homozygotes.

Submission:

Labcorp Genetics (formerly Invitae), Labcorp
Classification: Uncertain significance for Mitochondrial complex V (ATP synthase) deficiency, nuclear type 2. Last evaluated: 2022-05-02. Review status: criteria provided, single submitter. Criteria: Invitae Variant Classification Sherloc (09022015). Collection method: clinical testing. Allele origin: germline.
Comment: This sequence change replaces alanine, which is neutral and non-polar, with valine, which is neutral and non-polar, at codon 186 of the TMEM70 protein (p.Ala186Val). This variant is present in population databases (rs200311538, gnomAD 0.01%). This variant has not been reported in the literature in individuals affected with TMEM70-related conditions. ClinVar contains an entry for this variant (Variation ID: 945308). Algorithms developed to predict the effect of missense changes on protein structure and function output the following: SIFT: "Tolerated"; PolyPhen-2: "Benign"; Align-GVGD: "Class C0". The valine amino acid residue is found in multiple mammalian species, which suggests that this missense change does not adversely affect protein function. In summary, the available evidence is currently insufficient to determine the role of this variant in disease. Therefore, it has been classified as a Variant of Uncertain Significance.